The following is an entry in ClinVar:

ClinVar aggregate classification (germline): Uncertain significance. Review status: criteria provided, single submitter (1 of 4 stars). 2 submissions from 2 submitters: Uncertain significance (1). 1 of the submissions does not count toward it. Last evaluated 2021-08-26.

Conditions:
Mucolipidosis type IV (ML4). Also called: ML IV. Identifiers: Orphanet 578, MedGen C0238286, MONDO:0009653, OMIM 252650.

Allele frequency attached by ClinVar (database versions not stated): gnomAD exomes below 0.00001.
gnomAD v4.1: 2 of 1,613,862 alleles (0.00012%); highest among the groups gnomAD compares: Non-Finnish European, 0.00017%; no homozygotes.

Submissions (2):

Labcorp Genetics (formerly Invitae), Labcorp
Classification: Uncertain significance for Mucolipidosis type IV. Last evaluated: 2021-08-26. Review status: criteria provided, single submitter. Criteria: Invitae Variant Classification Sherloc (09022015). Collection method: clinical testing. Allele origin: germline.
Comment: This sequence change replaces threonine with alanine at codon 392 of the MCOLN1 protein (p.Thr392Ala). The threonine residue is highly conserved and there is a small physicochemical difference between threonine and alanine. This variant is not present in population databases (ExAC no frequency). This variant has not been reported in the literature in individuals affected with MCOLN1-related conditions. Algorithms developed to predict the effect of missense changes on protein structure and function are either unavailable or do not agree on the potential impact of this missense change (SIFT: "Tolerated"; PolyPhen-2: "Probably Damaging"; Align-GVGD: "Class C0"). In summary, the available evidence is currently insufficient to determine the role of this variant in disease. Therefore, it has been classified as a Variant of Uncertain Significance.

Natera, Inc.
Classification: Uncertain significance for Mucolipidosis type IV. Last evaluated: 2018-09-26. Review status: no assertion criteria provided. Collection method: clinical testing. Allele origin: germline. Not counted in ClinVar's aggregate classification.

NM_020533.3(MCOLN1):c.1174A>G (p.Thr392Ala)

Gene: MCOLN1 (mucolipin TRP cation channel 1; plus strand). Cytogenetic location: 19p13.2.
Variant type: single nucleotide variant.
Coding change: c.1174A>G on transcript NM_020533.3 (MANE Select); coding-DNA position 1174, A replaced by G.
Protein change: p.Thr392Ala; replaces threonine 392 with alanine.
Molecular consequence: missense variant.
Genome position (GRCh38, 1-based): chr19:7,529,140, A>G. VCF-style: chr19-7529140-A-G. GRCh37 (hg19) VCF-style: chr19-7594026-A-G.
Other names: short protein forms T392A.
Identifiers: ClinVar variation 1034995 (VCV001034995.10), dbSNP rs2022617347, ClinGen allele CA403086779.
Genomic context (GRCh38, chr19:7,529,140, plus strand): 5'-TGACGCAGCTCCCACCCGCAGAACTTGGCGAGCTACGACGTCTGCAGCATCCTCCTGGGC[A>G]CCTCGACGCTGCTGGTGTGGGTGGGCGTGATCCGCTACCTGACCTTCTTCCACAACTACA-3'
Protein context (NP_065394.1, residues 382-402): SYDVCSILLG[Thr392Ala]STLLVWVGVI